The following is an entry in ClinVar:

ClinVar aggregate classification (germline): Uncertain significance (1 of 4 stars; one submission).

gnomAD v4.1: 1 of 1,613,890 alleles (0.000062%); highest among the groups gnomAD compares: Non-Finnish European, 0.000085%; no homozygotes.

Submission:

Labcorp Genetics (formerly Invitae), Labcorp
Classification: Uncertain significance. Last evaluated: 2022-05-27. Review status: criteria provided, single submitter. Criteria: Invitae Variant Classification Sherloc (09022015). Collection method: clinical testing. Allele origin: germline.
Comment: In summary, the available evidence is currently insufficient to determine the role of this variant in disease. Therefore, it has been classified as a Variant of Uncertain Significance. Advanced modeling of protein sequence and biophysical properties (such as structural, functional, and spatial information, amino acid conservation, physicochemical variation, residue mobility, and thermodynamic stability) performed at Invitae indicates that this missense variant is not expected to disrupt TGM6 protein function. This variant has not been reported in the literature in individuals affected with TGM6-related conditions. This variant is not present in population databases (gnomAD no frequency). This sequence change replaces aspartic acid, which is acidic and polar, with glutamic acid, which is acidic and polar, at codon 484 of the TGM6 protein (p.Asp484Glu).

NM_198994.3(TGM6):c.1452C>G (p.Asp484Glu)

Gene: TGM6 (transglutaminase 6; plus strand). Cytogenetic location: 20p13.
Variant type: single nucleotide variant.
Coding change: c.1452C>G on transcript NM_198994.3 (MANE Select); coding-DNA position 1452, C replaced by G.
Protein change: p.Asp484Glu; replaces aspartic acid 484 with glutamic acid.
Molecular consequence: missense variant.
Genome position (GRCh38, 1-based): chr20:2,417,347, C>G. VCF-style: chr20-2417347-C-G. GRCh37 (hg19) VCF-style: chr20-2397993-C-G.
Other names: c.1452C>G, p.Asp484Glu (NM_001254734.2); short protein forms D484E.
Identifiers: ClinVar variation 1999576 (VCV001999576.4), dbSNP rs142748417, ClinGen allele CA408015114.